The following is an entry in ClinVar:

ClinVar aggregate classification (germline): Uncertain significance. Review status: criteria provided, multiple submitters, no conflicts (2 of 4 stars). 2 submissions from 2 submitters: Uncertain significance (2). Last evaluated 2025-08-30.

Conditions:
Inborn genetic diseases. Identifiers: MedGen C0950123, MeSH D030342.
Deafness-lymphedema-leukemia syndrome. Also called: Emberger syndrome; Lymphedema, primary, with myelodysplasia. Identifiers: Orphanet 3226, MedGen C3279664, MONDO:0013540, OMIM 614038.
Monocytopenia with susceptibility to infections. Also called: IMMUNODEFICIENCY 21; GATA2 DEFICIENCY; MONOCYTOPENIA AND MYCOBACTERIAL INFECTION SYNDROME; MONOCYTOPENIA WITH SUSCEPTIBILITY TO MYCOBACTERIAL, FUNGAL, AND PAPILLOMAVIRUS INFECTIONS AND MYELODYSPLASIA; COMBINED IMMUNODEFICIENCY WITH SUSCEPTIBILITY TO MYCOBACTERIAL, VIRAL, AND FUNGAL INFECTIONS; Dendritic cell, monocyte, B lymphocyte, and natural killer lymphocyte deficiency. Identifiers: Orphanet 228423, MedGen C3280030, MONDO:0013607, OMIM 614172.

Submissions (2):

Ambry Genetics
Classification: Uncertain significance for Inborn genetic diseases. Last evaluated: 2025-08-30. Review status: criteria provided, single submitter. Criteria: Ambry Variant Classification Scheme 2023. Collection method: clinical testing. Allele origin: germline.
Comment: The p.P470R variant (also known as c.1409C>G), located in coding exon 5 of the GATA2 gene, results from a C to G substitution at nucleotide position 1409. The proline at codon 470 is replaced by arginine, an amino acid with dissimilar properties. This amino acid position is conserved. In addition, this alteration is predicted to be deleterious by in silico analysis. Based on the available evidence, the clinical significance of this variant remains unclear.

Labcorp Genetics (formerly Invitae), Labcorp
Classification: Uncertain significance for Monocytopenia with susceptibility to infections; Deafness-lymphedema-leukemia syndrome. Last evaluated: 2024-04-22. Review status: criteria provided, single submitter. Criteria: Invitae Variant Classification Sherloc (09022015). Collection method: clinical testing. Allele origin: germline.
Comment: This sequence change replaces proline, which is neutral and non-polar, with arginine, which is basic and polar, at codon 470 of the GATA2 protein (p.Pro470Arg). This variant is not present in population databases (gnomAD no frequency). This variant has not been reported in the literature in individuals affected with GATA2-related conditions. ClinVar contains an entry for this variant (Variation ID: 1044942). Advanced modeling of protein sequence and biophysical properties (such as structural, functional, and spatial information, amino acid conservation, physicochemical variation, residue mobility, and thermodynamic stability) performed at Invitae indicates that this missense variant is expected to disrupt GATA2 protein function with a positive predictive value of 80%. In summary, the available evidence is currently insufficient to determine the role of this variant in disease. Therefore, it has been classified as a Variant of Uncertain Significance.

NM_032638.5(GATA2):c.1409C>G (p.Pro470Arg)

Gene: GATA2 (GATA binding protein 2; minus strand). Cytogenetic location: 3q21.3.
Variant type: single nucleotide variant.
Coding change: c.1409C>G on transcript NM_032638.5 (MANE Select); coding-DNA position 1409, C replaced by G.
Protein change: p.Pro470Arg; replaces proline 470 with arginine.
Molecular consequence: missense variant.
Genome position (GRCh38, 1-based): chr3:128,481,053, G>C on the plus strand (C>G on the coding strand, the complement: GATA2 is on the minus strand). VCF-style: chr3-128481053-G-C. GRCh37 (hg19) VCF-style: chr3-128199896-G-C.
Other names: c.1409C>G, p.Pro470Arg (NM_001145661.2); c.1367C>G, p.Pro456Arg (NM_001145662.1); c.1409C>G (NM_032638.4); short protein forms P456R, P470R.
Identifiers: ClinVar variation 1044942 (VCV001044942.9), dbSNP rs1449742251, ClinGen allele CA354412481.